The following is an entry in ClinVar:

NM_012398.3(PIP5K1C):c.350+8G>A

Gene: PIP5K1C (phosphatidylinositol-4-phosphate 5-kinase type 1 gamma; minus strand). Cytogenetic location: 19p13.3.
Variant type: single nucleotide variant.
Coding change: c.350+8G>A on transcript NM_012398.3 (MANE Select); 8 bases into the intron after coding-DNA position 350, G replaced by A.
Molecular consequence: intron variant.
Genome position (GRCh38, 1-based): chr19:3,661,863, C>T on the plus strand (G>A on the coding strand, the complement: PIP5K1C is on the minus strand). VCF-style: chr19-3661863-C-T. GRCh37 (hg19) VCF-style: chr19-3661861-C-T.
Other names: c.350+8G>A (NM_001195733.2, NM_001300849.2).
Identifiers: ClinVar variation 3039197 (VCV003039197.4), dbSNP rs199554038, ClinGen allele CA9082723.

ClinVar aggregate classification (germline): Benign/Likely benign. Review status: criteria provided, multiple submitters, no conflicts (2 of 4 stars). 3 submissions from 3 submitters: Benign (1); Likely benign (1). 1 of the submissions does not count toward it. Last evaluated 2025-12-16.

Conditions:
PIP5K1C-related disorder. Also called: PIP5K1C-related condition.

Allele frequency attached by ClinVar (database versions not stated): ExAC 0.00014; gnomAD 0.00033; 1000 Genomes Project 0.00040; TOPMed 0.00042; ESP Exome Variant Server 0.00046; 1000 Genomes Project 30x 0.00047.
gnomAD v4.1: 153 of 1,611,030 alleles (0.0095%); highest among the groups gnomAD compares: African/African-American, 0.13%; 1 homozygote.

Submissions (3):

Labcorp Genetics (formerly Invitae), Labcorp
Classification: Benign. Last evaluated: 2025-12-16. Review status: criteria provided, single submitter. Criteria: Invitae Variant Classification Sherloc (09022015). Collection method: clinical testing. Allele origin: germline.

Breakthrough Genomics
Classification: Likely benign. Review status: criteria provided, single submitter. Criteria: ACMG Guidelines, 2015. Collection method: not provided. Allele origin: germline. Inheritance: Autosomal recessive inheritance. Affected: yes.

PreventionGenetics, part of Exact Sciences
Classification: Likely benign for PIP5K1C-related condition. Last evaluated: 2019-05-23. Review status: no assertion criteria provided. Collection method: clinical testing. Allele origin: germline. Not counted in ClinVar's aggregate classification.
Comment: This variant is classified as likely benign based on ACMG/AMP sequence variant interpretation guidelines (Richards et al. 2015 PMID: 25741868, with internal and published modifications).